The following is an entry in ClinVar:

NM_001103.4(ACTN2):c.1852G>A (p.Val618Met)

Gene: ACTN2 (actinin alpha 2; plus strand). Cytogenetic location: 1q43.
Variant type: single nucleotide variant.
Coding change: c.1852G>A on transcript NM_001103.4 (MANE Select); coding-DNA position 1852, G replaced by A.
Protein change: p.Val618Met; replaces valine 618 with methionine.
Molecular consequence: missense variant.
Genome position (GRCh38, 1-based): chr1:236,753,959, G>A. VCF-style: chr1-236753959-G-A. GRCh37 (hg19) VCF-style: chr1-236917259-G-A.
Other names: c.1852G>A, p.Val618Met (NM_001278343.2); c.1228G>A, p.Val410Met (NM_001278344.2); short protein forms V410M, V618M.
Identifiers: ClinVar variation 1204567 (VCV001204567.8), dbSNP rs1178612038, ClinGen allele CA345386670.

ClinVar aggregate classification (germline): Conflicting classifications of pathogenicity. Review status: criteria provided, conflicting classifications (1 of 4 stars). 2 submissions from 2 submitters: Uncertain significance (1); Likely benign (1). Last evaluated 2025-06-18.

Conditions:
Dilated cardiomyopathy 1AA (CMD1AA). Also called: CARDIOMYOPATHY, DILATED, 1AA, WITH OR WITHOUT LEFT VENTRICULAR NONCOMPACTION; CARDIOMYOPATHY, FAMILIAL HYPERTROPHIC, 23, WITH OR WITHOUT LEFT VENTRICULAR NONCOMPACTION; Cardiomyopathy, dilated, 1AA, with or without LVNC. Identifiers: Orphanet 154, MedGen C2677338, MONDO:0012808, OMIM 612158.
Primary familial hypertrophic cardiomyopathy (HCM). Identifiers: Orphanet 99739, MedGen C0949658, MeSH D024741, MONDO:0024573. Inheritance: Various modes of inheritance.

Allele frequency attached by ClinVar (database versions not stated): gnomAD exomes below 0.00001 and 0.00001; gnomAD 0.00001 and 0.00002; TOPMed 0.00001.
gnomAD v4.1: 9 of 1,599,864 alleles (0.00056%); highest among the groups gnomAD compares: Middle Eastern, 0.017%; no homozygotes.

Submissions (2):

Labcorp Genetics (formerly Invitae), Labcorp
Classification: Likely benign for Primary familial hypertrophic cardiomyopathy; Dilated cardiomyopathy 1AA. Last evaluated: 2025-06-18. Review status: criteria provided, single submitter. Criteria: Invitae Variant Classification Sherloc (09022015). Collection method: clinical testing. Allele origin: germline.

GeneDx
Classification: Uncertain significance. Last evaluated: 2021-02-19. Review status: criteria provided, single submitter. Criteria: GeneDx Variant Classification Process June 2021. Collection method: clinical testing. Allele origin: germline. Affected: yes.
Comment: Not observed at a significant frequency in large population cohorts (Lek et al., 2016); In silico analysis supports that this missense variant does not alter protein structure/function; Has not been previously published as pathogenic or benign to our knowledge